The following is an entry in ClinVar:

ClinVar aggregate classification (germline): Pathogenic/Likely pathogenic. Review status: criteria provided, multiple submitters, no conflicts (2 of 4 stars). 4 submissions from 4 submitters: Pathogenic (2); Likely pathogenic (2). Last evaluated 2026-08-27.

Conditions:
Bardet-Biedl syndrome 14 (BBS14). Identifiers: Orphanet 110, MedGen C2673874, MONDO:0014442, OMIM 615991.
Leber congenital amaurosis (LCA). Also called: Leber's amaurosis. Identifiers: Orphanet 65, MedGen C0339527, MeSH D057130, MONDO:0018998.
CEP290-related disorder. Also called: CEP290-related disorders; CEP290-related condition. Identifiers: MedGen CN239314.
Joubert syndrome. Also called: Familial aplasia of the vermis; JOUBERT-BOLTSHAUSER SYNDROME. Identifiers: Orphanet 475, MedGen C5979921, MONDO:0018772.
Nephronophthisis. Also called: Juvenile Nephronophthisis. Identifiers: Orphanet 655, MedGen C0687120, MONDO:0019005, HP:0000090.
Meckel-Gruber syndrome. Also called: DYSENCEPHALIA SPLANCHNOCYSTICA; Dysencephalia splachnocystica; GRUBER SYNDROME. Identifiers: Orphanet 564, MedGen C0265215, MONDO:0018921.

Submissions (4):

PreventionGenetics, part of Exact Sciences
Classification: Pathogenic for CEP290-related condition. Last evaluated: 2026-08-27. Review status: criteria provided, single submitter. Criteria: ACMG Guidelines, 2015. Collection method: clinical testing. Allele origin: germline.
Comment: The CEP290 c.6927delA variant is predicted to result in a frameshift and premature protein termination (p.Val2310Leufs*37). To our knowledge, this variant has not been reported in the literature or in a large population database (gnomAD), indicating this variant is rare. Frameshift variants in CEP290 are expected to be pathogenic. This variant is interpreted as pathogenic.

Natera, Inc.
Classification: Likely pathogenic for Leber congenital amaurosis. Last evaluated: 2025-08-07. Review status: criteria provided, single submitter. Criteria: Natera Variant Classification Schema (03/2026). Collection method: clinical testing. Allele origin: germline.
Comment: The c.6927delA variant in CEP290 is a frameshift variant predicted to shift the reading frame beginning at codon 2310 and leads to a stop codon 37 codons downstream. This variant is expected to result in nonsense mediated decay, truncation, or a dysfunctional protein product. This variant is rare in the general population with a frequency below the threshold expected for the associated phenotype(s). Given the available evidence, this variant is classified as Likely Pathogenic.

Labcorp Genetics (formerly Invitae), Labcorp
Classification: Pathogenic for Joubert syndrome; Meckel-Gruber syndrome; Nephronophthisis. Last evaluated: 2023-08-16. Review status: criteria provided, single submitter. Criteria: Invitae Variant Classification Sherloc (09022015). Collection method: clinical testing. Allele origin: germline.
Comment: For these reasons, this variant has been classified as Pathogenic. This variant has not been reported in the literature in individuals affected with CEP290-related conditions. This variant is not present in population databases (gnomAD no frequency). This sequence change creates a premature translational stop signal (p.Val2310Leufs*37) in the CEP290 gene. It is expected to result in an absent or disrupted protein product. Loss-of-function variants in CEP290 are known to be pathogenic (PMID: 16909394, 17345604, 20690115).

Baylor Genetics
Classification: Likely pathogenic for Bardet-Biedl syndrome 14. Last evaluated: 2022-01-02. Review status: criteria provided, single submitter. Criteria: ACMG Guidelines, 2015. Collection method: clinical testing. Allele origin: unknown.

Literature cited by the submitters: PubMed 16909394 (cited by Labcorp Genetics (formerly Invitae), Labcorp); PubMed 17345604 (cited by Labcorp Genetics (formerly Invitae), Labcorp); PubMed 20690115 (cited by Labcorp Genetics (formerly Invitae), Labcorp).

NM_025114.4(CEP290):c.6927del (p.Val2310fs)

Gene: CEP290 (centrosomal protein 290; minus strand). Cytogenetic location: 12q21.32.
Variant type: Deletion.
Coding change: c.6927del on transcript NM_025114.4 (MANE Select); coding-DNA position 6927, one base deleted (A; older notation c.6927delA).
Protein change: p.Val2310fs; shifts the reading frame from valine 2310.
Molecular consequence: frameshift variant.
Genome position (GRCh38, 1-based): chr12:88,055,609, T deleted on the plus strand (A on the coding strand, the reverse complement: CEP290 is on the minus strand); the first of 5 consecutive T bases (chr12:88,055,609-88,055,613); deleting any one gives the same sequence. VCF-style (leftmost placement, unchanged base first): chr12-88055608-CT-C. GRCh37 (hg19) VCF-style: chr12-88449385-CT-C.
Other names: c.6927delA (NM_025114.3); short protein forms V2310fs.
Identifiers: ClinVar variation 2680663 (VCV002680663.6), dbSNP rs1441877386, ClinGen allele CA606448736.
Genomic context (GRCh38, chr12:88,055,608, plus strand): 5'-TCATGTAAAGAAAAATTACGTTACTTACCTGTTGTTCAAGGTCTTCATTGTATTTGTTAA[CT>C]TTTTGTTCTCTCTCTGTTGCTTCTTTTACAAGCTGTTTAAGGTCAGTAATGCTTTGATTT-3'